The following is an entry in ClinVar:

ClinVar aggregate classification (germline): Pathogenic. Review status: reviewed by expert panel (3 of 4 stars). 12 submissions from 12 submitters: Pathogenic (1). 11 of the submissions do not count toward it. Last evaluated 2016-09-08.

Conditions:
Pancreatic cancer, susceptibility to, 2. Identifiers: Orphanet 1333, MedGen C3150546, MONDO:0013235, OMIM 613347.
Glioma susceptibility 3 (GLM3). Also called: Glioblastoma 3. Identifiers: Orphanet 182067, Orphanet 360, MedGen C2751641, MONDO:0013093, OMIM 613029.
Familial prostate cancer. Also called: Hereditary Prostate Cancer. Identifiers: MedGen C2931456, MONDO:0700275, OMIM 176807.
Breast-ovarian cancer, familial, susceptibility to, 2 (BROVCA2). Also called: BRCA2 Hereditary Breast and Ovarian Cancer. Identifiers: Orphanet 145, MedGen C2675520, MONDO:0012933, OMIM 612555. Disease mechanism: loss of function.
Fanconi anemia complementation group D1. Also called: BRCA2-Related Fanconi Anemia. Identifiers: Orphanet 319462, MedGen C1838457, MONDO:0011584, OMIM 605724.
Medulloblastoma (MDB). Also called: Medulloblastoma, somatic; MEDULLOBLASTOMA PREDISPOSITION SYNDROME. Identifiers: Orphanet 616, MedGen C0025149, MeSH D008527, MONDO:0007959, OMIM 155255, HP:0002885.
Wilms tumor 1 (WT1). Also called: Wilms tumor, somatic. Identifiers: Orphanet 654, MedGen CN033288, MONDO:0008679, OMIM 194070.
Familial cancer of breast. Also called: BREAST CANCER, FAMILIAL; hereditary breast carcinoma; Hereditary breast cancer. Identifiers: Orphanet 227535, MedGen C0346153, MONDO:0016419, OMIM 114480. Disease mechanism: loss of function.
Breast and/or ovarian cancer. Identifiers: MedGen CN221562.
Hereditary cancer-predisposing syndrome. Also called: Neoplastic Syndromes, Hereditary; Tumor predisposition; Hereditary Cancer Syndrome; Hereditary neoplastic syndrome. Identifiers: Orphanet 140162, MedGen C0027672, MeSH D009386, MONDO:0015356.
Hereditary breast ovarian cancer syndrome. Also called: Breast and ovarian cancer; Hereditary breast and ovarian cancer; Hereditary breast and ovarian cancer syndrome (HBOC); Hereditary breast and ovarian cancer syndrome; BRCA1- and BRCA2-Associated Hereditary Breast and Ovarian Cancer; Hereditary breast and/or ovarian cancer syndrome. Identifiers: Orphanet 145, MedGen C0677776, MeSH D061325, MONDO:0003582. Disease mechanism: loss of function.

Submissions (12):

Evidence-based Network for the Interpretation of Germline Mutant Alleles (ENIGMA)
Classification: Pathogenic for Breast-ovarian cancer, familial, susceptibility to, 2. Last evaluated: 2016-09-08. Review status: reviewed by expert panel. Criteria: ENIGMA BRCA1/2 Classification Criteria (2015). Collection method: curation. Allele origin: germline.
Comment: Variant allele predicted to encode a truncated non-functional protein.

Dasa
Classification: Pathogenic for Breast-ovarian cancer, familial, susceptibility to, 2. Last evaluated: 2025-11-26. Review status: criteria provided, single submitter. Criteria: DASA Assertion Criteria. Collection method: clinical testing. Allele origin: germline. Not counted in ClinVar's aggregate classification.
Comment: NM_000059.4(BRCA2):c.3195_3198del (p.Asn1066LeufsTer10) is a frameshift variant in BRCA2 predicted to alter the reading frame and introduce a premature termination codon and is predicted to result in an absent or altered protein product. Loss of function is an established disease mechanism for BRCA2 (PMID: 16199546; PMID: 17063271; PMID: 25632310). The affected residue or protein region has prior evidence supporting clinical relevance. Also, this variant is rare in population databases. Based on the currently available evidence, this variant is classified as pathogenic.

Ambry Genetics
Classification: Pathogenic for Hereditary cancer-predisposing syndrome. Last evaluated: 2025-08-04. Review status: criteria provided, single submitter. Criteria: Ambry Variant Classification Scheme 2023. Collection method: clinical testing. Allele origin: germline. Not counted in ClinVar's aggregate classification.
Comment: The c.3195_3198delTAAT pathogenic mutation, located in coding exon 10 of the BRCA2 gene, results from a deletion of 4 nucleotides at nucleotide positions 3195 to 3198, causing a translational frameshift with a predicted alternate stop codon (p.N1066Lfs*10). This mutation has been reported in familial breast cancer and ovarian cancer patients (Kim BY et al. Biochem. Biophys. Res. Commun., 2006 Oct;349:604-10; Minucci A et al. Expert Rev. Mol. Diagn., 2015 Aug;15:1383-403). Of note, this alteration is also designated as 3423del4 or 3423delTAAT in published literature. This alteration is expected to result in loss of function by premature protein truncation or nonsense-mediated mRNA decay. As such, this alteration is interpreted as a disease-causing mutation.

Labcorp Genetics (formerly Invitae), Labcorp
Classification: Pathogenic for Hereditary breast ovarian cancer syndrome. Last evaluated: 2024-10-08. Review status: criteria provided, single submitter. Criteria: Invitae Variant Classification Sherloc (09022015). Collection method: clinical testing. Allele origin: germline. Not counted in ClinVar's aggregate classification.
Comment: This sequence change creates a premature translational stop signal (p.Asn1066Leufs*10) in the BRCA2 gene. It is expected to result in an absent or disrupted protein product. Loss-of-function variants in BRCA2 are known to be pathogenic (PMID: 20104584). This variant is not present in population databases (gnomAD no frequency). This premature translational stop signal has been observed in individual(s) with breast and/or ovarian cancer (PMID: 16949048, 17100994, 17333343, 26187060, 26306726). This variant is also known as 3423delTAAT (1075X) and as c.3192_3195delAATT. ClinVar contains an entry for this variant (Variation ID: 51419). For these reasons, this variant has been classified as Pathogenic.

Fulgent Genetics
Classification: Pathogenic for Familial cancer of breast; Medulloblastoma; Familial prostate cancer; Wilms tumor 1; Fanconi anemia complementation group D1; Breast-ovarian cancer, familial, susceptibility to, 2; Glioma susceptibility 3; Pancreatic cancer, susceptibility to, 2. Last evaluated: 2024-01-03. Review status: criteria provided, single submitter. Criteria: ACMG Guidelines, 2015. Collection method: clinical testing. Allele origin: germline. Not counted in ClinVar's aggregate classification.

Color Diagnostics, LLC DBA Color Health
Classification: Pathogenic for Hereditary cancer-predisposing syndrome. Last evaluated: 2023-08-31. Review status: criteria provided, single submitter. Criteria: ACMG Guidelines, 2015. Collection method: clinical testing. Allele origin: germline. Not counted in ClinVar's aggregate classification.
Comment: This variant deletes 4 nucleotides in exon 11 of the BRCA2 gene, creating a frameshift and premature translation stop signal. This variant is expected to result in an absent or non-functional protein product. This variant is also known as 3423delTAAT in the literature. This variant has been reported in at least 7 individuals affected with breast cancer (PMID: 16949048, 17100994, 17333343, 26187060, 28294317, 30287823, 32019277, 32365798). This variant has not been identified in the general population by the Genome Aggregation Database (gnomAD). Loss of BRCA2 function is a known mechanism of disease. Based on the available evidence, this variant is classified as Pathogenic.

Baylor Genetics
Classification: Pathogenic for Familial cancer of breast. Last evaluated: 2023-04-18. Review status: criteria provided, single submitter. Criteria: ACMG Guidelines, 2015. Collection method: clinical testing. Allele origin: unknown. Not counted in ClinVar's aggregate classification.

Women's Health and Genetics/Laboratory Corporation of America, LabCorp
Classification: Pathogenic for Hereditary breast ovarian cancer syndrome. Last evaluated: 2017-07-17. Review status: criteria provided, single submitter. Criteria: LabCorp Variant Classification Summary - May 2015. Collection method: clinical testing. Allele origin: germline. Not counted in ClinVar's aggregate classification.
Comment: Variant summary: The c.3195_3198delTAAT (p.Asn1066Leufs) variant in BRCA2 gene is a frameshift change that results in the loss of the 2344 amino acids of protein (~61%). This change is predicted to cause loss of normal protein function through protein truncation or nonsense-mediated mRNA decay. The variant is absent from the large control population datasets of ExAC and gnomAD (119892 and 242068 chrs tested, respectively). The c.3195_3198delTAAT has been reported in multiple affected individuals via published reports and cited as pathogenic by several reputable databases/clinical laboratories. Taking together, the variant was classified as Pathogenic.

Consortium of Investigators of Modifiers of BRCA1/2 (CIMBA), c/o University of Cambridge
Classification: Pathogenic for Breast-ovarian cancer, familial, susceptibility to, 2. Last evaluated: 2015-10-02. Review status: criteria provided, single submitter. Criteria: CIMBA Mutation Classification guidelines May 2016. Collection method: clinical testing. Allele origin: germline. Not counted in ClinVar's aggregate classification.

GeneDx
Classification: Pathogenic for Familial cancer of breast. Last evaluated: 2013-11-25. Review status: criteria provided, single submitter. Criteria: GeneDx Variant Classification (06012015). Collection method: clinical testing. Allele origin: germline. Affected: yes. Not counted in ClinVar's aggregate classification.
Comment: This variant is denoted BRCA2 c.3195_3198delTAAT at the cDNA level and p.Asn1066LeufsX10 (N1066LfsX10) at the protein level. The normal sequence with the bases that are deleted in braces is: CAAT{TAAT}ACTG. The deletion causes a frameshift, changing an Asparagine to a Leucine at codon 1066, and creating a premature stop codon at position 10 of the new reading frame. This mutation is predicted to cause loss of normal protein function through either protein truncation or nonsense-mediated mRNA decay. BRCA2 c.3195_3198delTAAT, also known as 3423del4 or 3423delTAAT using alternative nomenclature, has been reported in association with breast cancer (Kim 2006) and is listed as clinically important in the Breast Cancer Information Core (BIC) database and is indicative of Hereditary Breast and Ovarian Cancer (HBOC) syndrome, an autosomal dominant condition that predisposes to breast and ovarian cancer as well as other cancers. The predominant BRCA2-related cancer risks for women who have not been diagnosed with cancer have been estimated as 41% - 84% lifetime risk for breast cancer and 11% - 27% lifetime risk for ovarian cancer (Ford 1998, Risch 2006). BRCA2 mutations have also been reported in women with fallopian tube carcinoma, primary peritoneal carcinoma, and uterine serous carcinoma (Levine 2003, Biron-Shental 2006). Women with BRCA1/2 mutations also have an increased risk for contralateral breast cancer. Women with BRCA mutations whose first cancer was diagnosed under age 40 have a 21-31% risk to develop a second breast cancer within 10 years and a 63% risk to develop a second breast cancer within 25 years. Women with BRCA mutations whose first cancer was diagnosed between ages 40 and 50 have an 11-13% risk to develop a second breast cancer within 10 years and a 44-49% risk within 25 years. Women with BRCA mutations whose first cancer was diagnosed after age 50 have an 8% risk to develop a second breast cancer within 10 years and a 20% risk within 25 years (Graeser 2009). Other cancer risks associated with a BRCA2 mutation include up to a 7% risk for pancreatic cancer (Ozcelik 1997, The Breast Cancer Linkage Consortium 1999), up to a 34% risk for prostate cancer in male carriers (Thompson 2001), and up to a 7% risk for male breast cancer (Liede 2004). The variant is found in BRCA1-BRCA2 panel(s).

CZECANCA consortium
Classification: Pathogenic for Breast and/or ovarian cancer. Last evaluated: 2019-06-11. Review status: no assertion criteria provided. Collection method: clinical testing. Allele origin: germline. Affected: yes. Observed: 1 variant allele. Not counted in ClinVar's aggregate classification.

Breast Cancer Information Core (BIC) (BRCA2)
Classification: Pathogenic for Breast-ovarian cancer, familial 2. Last evaluated: 2004-02-20. Review status: no assertion criteria provided. Collection method: clinical testing. Allele origin: germline. Affected: yes. Observed: 2 variant alleles. Not counted in ClinVar's aggregate classification.

Literature cited by the submitters: PubMed 16199546 (cited by Dasa); PubMed 17063271 (cited by Dasa); PubMed 25632310 (cited by Dasa); PubMed 16949048 (cited by 4 submitters); PubMed 26306726 (cited by Ambry Genetics and Labcorp Genetics (formerly Invitae), Labcorp); PubMed 20104584 (cited by Labcorp Genetics (formerly Invitae), Labcorp); PubMed 17100994 (cited by 3 submitters); PubMed 17333343 (cited by 3 submitters); PubMed 26187060 (cited by Labcorp Genetics (formerly Invitae), Labcorp and Color Diagnostics, LLC DBA Color Health); PubMed 28294317 (cited by Color Diagnostics, LLC DBA Color Health and Women's Health and Genetics/Laboratory Corporation of America, LabCorp); PubMed 30287823 (cited by Color Diagnostics, LLC DBA Color Health); PubMed 32019277 (cited by Color Diagnostics, LLC DBA Color Health); PubMed 32365798 (cited by Color Diagnostics, LLC DBA Color Health); PubMed 18092194 (cited by Women's Health and Genetics/Laboratory Corporation of America, LabCorp); PubMed 32295079 (cited by CZECANCA consortium).

NM_000059.4(BRCA2):c.3195_3198del (p.Asn1066fs)

Gene: BRCA2 (BRCA2 DNA repair associated; plus strand). Cytogenetic location: 13q13.1.
Variant type: Deletion.
Coding change: c.3195_3198del on transcript NM_000059.4 (MANE Select); coding-DNA positions 3195 to 3198, 4 bases deleted (TAAT; older notation c.3195_3198delTAAT).
Protein change: p.Asn1066fs; shifts the reading frame from asparagine 1066.
Molecular consequence: frameshift variant.
Genome position (GRCh38, 1-based): chr13:32,337,550-32,337,553, TAAT deleted; deleting any 4 consecutive bases within chr13:32,337,547-32,337,553 gives the same sequence; the c. name uses the placement nearest the transcript's 3' end. VCF-style (leftmost placement, unchanged base first): chr13-32337546-CAATT-C. GRCh37 (hg19) VCF-style: chr13-32911683-CAATT-C.
Other names: 3423del4; 3420del4; c.3192_3195del (NM_000059.3); c.3195_3198delTAAT (NM_000059.3).
Identifiers: ClinVar variation 51419 (VCV000051419.27), dbSNP rs80359375, ClinGen allele CA017495.